The following is an entry in ClinVar:

NM_015338.6(ASXL1):c.3045_3070dup (p.Thr1024delinsArgLeuThrLeuGluLysLeuGlnTer)

Gene: ASXL1 (ASXL transcriptional regulator 1; plus strand). Cytogenetic location: 20q11.21.
Variant type: Duplication.
Coding change: c.3045_3070dup on transcript NM_015338.6 (MANE Select); coding-DNA positions 3045 to 3070, 26 bases duplicated (GGCTGACACTAGAGAAGCTGCAGTGA).
Protein change: p.Thr1024delinsArgLeuThrLeuGluLysLeuGlnTer.
Molecular consequence: nonsense.
Genome position (GRCh38, 1-based): chr20:32,435,757-32,435,782, GGCTGACACTAGAGAAGCTGCAGTGA duplicated; duplicating any 26 consecutive bases within chr20:32,435,750-32,435,782 gives the same sequence; the c. name uses the placement nearest the transcript's 3' end. VCF-style (leftmost placement, unchanged base first): chr20-32435749-A-AGCAGTGAGGCTGACACTAGAGAAGCT. GRCh37 (hg19) VCF-style: chr20-31023552-A-AGCAGTGAGGCTGACACTAGAGAAGCT.
Other names: c.2862_2887dup, p.Thr963delinsArgLeuThrLeuGluLysLeuGlnTer (NM_001363734.1).
Identifiers: ClinVar variation 4856318 (VCV004856318.1).

ClinVar aggregate classification (germline): Likely pathogenic (1 of 4 stars; one submission).

Conditions:
Bohring-Opitz syndrome. Also called: C-LIKE SYNDROME; BOHRING SYNDROME; OPITZ TRIGONOCEPHALY-LIKE SYNDROME; ASXL1-Related Bohring-Opitz Syndrome. Identifiers: Orphanet 97297, MedGen C0796232, MONDO:0011510, OMIM 605039.

Submission:

3billion
Classification: Likely pathogenic for Bohring-Opitz syndrome. Last evaluated: 2025-12-23. Review status: criteria provided, single submitter. Criteria: ACMG Guidelines, 2015. Collection method: clinical testing. Allele origin: germline. Affected: yes.
Comment: The variant is not observed in the gnomAD v4.1.0 dataset. Predicted Consequence/Location: Frameshift: predicted to result in a loss or disruption of normal protein function through protein truncation. The predicted truncated protein may be shortened by more than 10%. Therefore, this variant is classified as Likely pathogenic according to the recommendation of ACMG/AMP guideline.